The following is an entry in ClinVar:

NM_001454.4(FOXJ1):c.596C>T (p.Pro199Leu)

Gene: FOXJ1 (forkhead box J1; minus strand). Cytogenetic location: 17q25.1.
Variant type: single nucleotide variant.
Coding change: c.596C>T on transcript NM_001454.4 (MANE Select); coding-DNA position 596, C replaced by T.
Protein change: p.Pro199Leu; replaces proline 199 with leucine.
Molecular consequence: missense variant.
Genome position (GRCh38, 1-based): chr17:76,138,023, G>A on the plus strand (C>T on the coding strand, the complement: FOXJ1 is on the minus strand). VCF-style: chr17-76138023-G-A. GRCh37 (hg19) VCF-style: chr17-74134104-G-A.
Other names: short protein forms P199L.
Identifiers: ClinVar variation 5005821 (VCV005005821.2).

ClinVar aggregate classification (germline): Uncertain significance (1 of 4 stars; one submission).

Conditions:
Ciliary dyskinesia, primary, 43. Also called: CILIARY DYSKINESIA, PRIMARY, 43, WITH OR WITHOUT SITUS INVERSUS. Identifiers: MedGen C5231466, MONDO:0032874, OMIM 618699.

Submission:

Juno Genomics, Hangzhou Juno Genomics, Inc
Classification: Uncertain significance for Ciliary dyskinesia, primary, 43. Review status: criteria provided, single submitter. Criteria: ACMG Guidelines, 2015. Collection method: clinical testing. Allele origin: germline.
Comment: Absent from controls (or at extremely low frequency if recessive) in Genome Aggregation Database.;Multiple lines of computational evidence support a deleterious effect on the gene or gene product.